The following is an entry in ClinVar:

NM_021926.4(ALX4):c.728C>T (p.Ala243Val)

Gene: ALX4 (ALX homeobox 4; minus strand). Cytogenetic location: 11p11.2.
Variant type: single nucleotide variant.
Coding change: c.728C>T on transcript NM_021926.4 (MANE Select); coding-DNA position 728, C replaced by T.
Protein change: p.Ala243Val; replaces alanine 243 with valine.
Molecular consequence: missense variant.
Genome position (GRCh38, 1-based): chr11:44,275,397, G>A on the plus strand (C>T on the coding strand, the complement: ALX4 is on the minus strand). VCF-style: chr11-44275397-G-A. GRCh37 (hg19) VCF-style: chr11-44296947-G-A.
Other names: c.728C>T, p.Ala243Val (LRG_1256t1); short protein forms A243V.
Identifiers: ClinVar variation 304705 (VCV000304705.6), dbSNP rs145166164, ClinGen allele CA5955669.

ClinVar aggregate classification (germline): Conflicting classifications of pathogenicity. Review status: criteria provided, conflicting classifications (1 of 4 stars). 2 submissions from 2 submitters: Uncertain significance (1); Likely benign (1). Last evaluated 2025-03-14.

Conditions:
Inborn genetic diseases. Identifiers: MedGen C0950123, MeSH D030342.
Parietal foramina 2 (PFM2). Identifiers: Orphanet 60015, MedGen C1865044, MONDO:0012309, OMIM 609597.

Allele frequency attached by ClinVar (database versions not stated): ExAC 0.00003; gnomAD exomes 0.00014; TOPMed 0.00034; ESP Exome Variant Server 0.00038; gnomAD 0.00041 and 0.00042.
gnomAD v4.1: 128 of 1,614,084 alleles (0.0079%); highest among the groups gnomAD compares: Admixed American, 0.085%; no homozygotes.

Submissions (2):

Ambry Genetics
Classification: Uncertain significance for Inborn genetic diseases. Last evaluated: 2025-03-14. Review status: criteria provided, single submitter. Criteria: Ambry Variant Classification Scheme 2023. Collection method: clinical testing. Allele origin: germline.

Illumina Laboratory Services, Illumina
Classification: Likely benign for Parietal foramina 2. Last evaluated: 2018-01-12. Review status: criteria provided, single submitter. Criteria: ICSL Variant Classification Criteria 13 December 2019. Collection method: clinical testing. Allele origin: germline.
Comment: This variant was observed in the ICSL laboratory as part of a predisposition screen in an ostensibly healthy population. It had not been previously curated by ICSL or reported in the Human Gene Mutation Database (HGMD: prior to June 1st, 2018), and was therefore a candidate for classification through an automated scoring system. Utilizing variant allele frequency, disease prevalence and penetrance estimates, and inheritance mode, an automated score was calculated to assess if this variant is too frequent to cause the disease. Based on the score and internal cut-off values, a variant classified as likely benign is not then subjected to further curation. The score for this variant resulted in a classification of likely benign for this disease.